The following is an entry in ClinVar:

NM_001077418.3(TMEM231):c.664G>T (p.Val222Phe)

Gene: TMEM231 (transmembrane protein 231; minus strand). Cytogenetic location: 16q23.1.
Variant type: single nucleotide variant.
Coding change: c.664G>T on transcript NM_001077418.3 (MANE Select); coding-DNA position 664, G replaced by T.
Protein change: p.Val222Phe; replaces valine 222 with phenylalanine.
Molecular consequence: missense variant. On other transcripts: non-coding transcript variant (1).
Genome position (GRCh38, 1-based): chr16:75,542,602, C>A on the plus strand (G>T on the coding strand, the complement: TMEM231 is on the minus strand). VCF-style: chr16-75542602-C-A. GRCh37 (hg19) VCF-style: chr16-75576500-C-A.
Other names: c.823G>T, p.Val275Phe (NM_001077416.2); short protein forms V222F, V275F.
Identifiers: ClinVar variation 3755046 (VCV003755046.2).

ClinVar aggregate classification (germline): Uncertain significance (1 of 4 stars; one submission).

Conditions:
Joubert syndrome 20 (JBTS20). Identifiers: Orphanet 475, MedGen C3554235, MONDO:0013994, OMIM 614970.
Meckel syndrome, type 11 (MKS11). Identifiers: Orphanet 564, MedGen C3809352, MONDO:0014164, OMIM 615397.

Submission:

Labcorp Genetics (formerly Invitae), Labcorp
Classification: Uncertain significance for Joubert syndrome 20; Meckel syndrome, type 11. Last evaluated: 2024-03-08. Review status: criteria provided, single submitter. Criteria: Invitae Variant Classification Sherloc (09022015). Collection method: clinical testing. Allele origin: germline.
Comment: This sequence change replaces valine, which is neutral and non-polar, with phenylalanine, which is neutral and non-polar, at codon 275 of the TMEM231 protein (p.Val275Phe). This variant also falls at the last nucleotide of exon 4, which is part of the consensus splice site for this exon. This variant is not present in population databases (gnomAD no frequency). This variant has not been reported in the literature in individuals affected with TMEM231-related conditions. Variants that disrupt the consensus splice site are a relatively common cause of aberrant splicing (PMID: 17576681, 9536098). Algorithms developed to predict the effect of sequence changes on RNA splicing suggest that this variant may disrupt the consensus splice site. This variant disrupts the c.823G nucleotide in the TMEM231 gene. Other variant(s) that disrupt this nucleotide have been determined to be pathogenic (PMID: 23349226, 25869670). This suggests that this nucleotide is clinically significant, and that variants that disrupt this position are likely to be disease-causing. In summary, the available evidence is currently insufficient to determine the role of this variant in disease. Therefore, it has been classified as a Variant of Uncertain Significance.

Literature cited by the submitters: PubMed 17576681; PubMed 9536098; PubMed 23349226; PubMed 25869670.